The following is an entry in ClinVar:

NM_025074.7(FRAS1):c.-23C>T

Gene: FRAS1 (Fraser extracellular matrix complex subunit 1; plus strand). Cytogenetic location: 4q21.21.
Variant type: single nucleotide variant.
Coding change: c.-23C>T on transcript NM_025074.7 (MANE Select); 23 bases upstream of the start codon, C replaced by T.
Molecular consequence: 5 prime UTR variant.
Genome position (GRCh38, 1-based): chr4:78,057,987, C>T. VCF-style: chr4-78057987-C-T. GRCh37 (hg19) VCF-style: chr4-78979141-C-T.
Other names: c.-23C>T (NM_001166133.2).
Identifiers: ClinVar variation 349649 (VCV000349649.6), dbSNP rs34237418, ClinGen allele CA2975755.

ClinVar aggregate classification (germline): Benign. Review status: criteria provided, multiple submitters, no conflicts (2 of 4 stars). 2 submissions from 2 submitters: Benign (2). Last evaluated 2018-01-13.

Conditions:
Fraser syndrome 1 (FRASRS1). Also called: CRYPTOPHTHALMOS WITH OTHER MALFORMATIONS. Identifiers: Orphanet 2052, MedGen C4551480, MONDO:0054737, OMIM 219000.

Allele frequency attached by ClinVar (database versions not stated): 1000 Genomes Project 0.10723; 1000 Genomes Project 30x 0.11009; TOPMed 0.14908; gnomAD 0.15247 and 0.15546; ESP Exome Variant Server 0.15555; ExAC 0.16067; gnomAD exomes 0.16354 and 0.19065.
gnomAD v4.1: 300,783 of 1,611,780 alleles (19%); highest among the groups gnomAD compares: Non-Finnish European, 21%; 30,439 homozygotes.

Submissions (2):

Illumina Laboratory Services, Illumina
Classification: Benign for Fraser syndrome 1. Last evaluated: 2018-01-13. Review status: criteria provided, single submitter. Criteria: ICSL Variant Classification Criteria 13 December 2019. Collection method: clinical testing. Allele origin: germline.
Comment: This variant was observed in the ICSL laboratory as part of a predisposition screen in an ostensibly healthy population. It had not been previously curated by ICSL or reported in the Human Gene Mutation Database (HGMD: prior to June 1st, 2018), and was therefore a candidate for classification through an automated scoring system. Utilizing variant allele frequency, disease prevalence and penetrance estimates, and inheritance mode, an automated score was calculated to assess if this variant is too frequent to cause the disease. Based on the score and internal cut-off values, a variant classified as benign is not then subjected to further curation. The score for this variant resulted in a classification of benign for this disease.

Breakthrough Genomics
Classification: Benign. Review status: criteria provided, single submitter. Criteria: ACMG Guidelines, 2015. Collection method: not provided. Allele origin: germline. Inheritance: Autosomal recessive inheritance. Affected: yes.